The following is an entry in ClinVar:

NM_002769.5(PRSS1):c.626A>G (p.Gln209Arg)

Genes: PRSS1 (serine protease 1; plus strand), TRB (T cell receptor beta locus; plus strand). Cytogenetic location: 7q34.
Variant type: single nucleotide variant.
Coding change: c.626A>G on transcript NM_002769.5 (MANE Select); coding-DNA position 626, A replaced by G.
Protein change: p.Gln209Arg; replaces glutamine 209 with arginine.
Molecular consequence: missense variant.
Genome position (GRCh38, 1-based): chr7:142,752,902, A>G. VCF-style: chr7-142752902-A-G. GRCh37 (hg19) VCF-style: chr7-142460753-A-G.
Other names: short protein forms Q209R.
Identifiers: ClinVar variation 656364 (VCV000656364.12), dbSNP rs576596527, ClinGen allele CA4530127.
Genomic context (GRCh38, chr7:142,752,902, plus strand): 5'-TACAACTTGTCCCTTCTTCCCCCCAGGGTGATTCTGGTGGCCCTGTGGTCTGCAATGGAC[A>G]GCTCCAAGGAGTTGTCTCCTGGGGTGATGGCTGTGCCCAGAAGAACAAGCCTGGAGTCTA-3'
Protein context (NP_002760.1, residues 199-219): DSGGPVVCNG[Gln209Arg]LQGVVSWGDG

ClinVar aggregate classification (germline): Uncertain significance. Review status: criteria provided, multiple submitters, no conflicts (2 of 4 stars). 2 submissions from 2 submitters: Uncertain significance (2). Last evaluated 2025-01-26.

Conditions:
Hereditary pancreatitis (PCTT). Also called: Hereditary chronic pancreatitis; PRSS1-Related Hereditary Pancreatitis. Identifiers: Orphanet 676, MedGen C0238339, MONDO:0008185, OMIM 167800.

Allele frequency attached by ClinVar (database versions not stated): ExAC 0.00005; gnomAD exomes 0.00002 and 0.00005; 1000 Genomes Project 30x 0.00016; 1000 Genomes Project 0.00020; gnomAD 0.00001.

Submissions (2):

Ambry Genetics
Classification: Uncertain significance for Hereditary pancreatitis. Last evaluated: 2025-01-26. Review status: criteria provided, single submitter. Criteria: Ambry Variant Classification Scheme 2023. Collection method: clinical testing. Allele origin: germline.
Comment: The p.Q209R variant (also known as c.626A>G), located in coding exon 5 of the PRSS1 gene, results from an A to G substitution at nucleotide position 626. The glutamine at codon 209 is replaced by arginine, an amino acid with highly similar properties. This amino acid position is conserved. In addition, this alteration is predicted to be tolerated by in silico analysis. Since supporting evidence is limited at this time, the clinical significance of this alteration remains unclear.

Labcorp Genetics (formerly Invitae), Labcorp
Classification: Uncertain significance for Hereditary pancreatitis. Last evaluated: 2024-10-25. Review status: criteria provided, single submitter. Criteria: Invitae Variant Classification Sherloc (09022015). Collection method: clinical testing. Allele origin: germline.
Comment: This sequence change replaces glutamine, which is neutral and polar, with arginine, which is basic and polar, at codon 209 of the PRSS1 protein (p.Gln209Arg). The frequency data for this variant in the population databases is considered unreliable, as metrics indicate poor data quality at this position in the gnomAD database. This variant has not been reported in the literature in individuals affected with PRSS1-related conditions. ClinVar contains an entry for this variant (Variation ID: 656364). Invitae Evidence Modeling of protein sequence and biophysical properties (such as structural, functional, and spatial information, amino acid conservation, physicochemical variation, residue mobility, and thermodynamic stability) indicates that this missense variant is not expected to disrupt PRSS1 protein function with a negative predictive value of 80%. In summary, the available evidence is currently insufficient to determine the role of this variant in disease. Therefore, it has been classified as a Variant of Uncertain Significance.